The following is an entry in ClinVar:

NM_020893.6(CCDC180):c.3720C>T (p.Gly1240=)

Genes: CCDC180 (coiled-coil domain containing 180; plus strand), SUGT1P4-STRA6LP-CCDC180 (SUGT1P4-STRA6LP-CCDC180 readthrough; plus strand). Cytogenetic location: 9q22.33.
Variant type: single nucleotide variant.
Coding change: c.3720C>T on transcript NM_020893.6 (MANE Select); coding-DNA position 3720, C replaced by T.
Protein change: p.Gly1240=; no amino-acid change (glycine 1240 retained).
Molecular consequence: synonymous variant. On other transcripts: non-coding transcript variant (1).
Genome position (GRCh38, 1-based): chr9:97,362,259, C>T. VCF-style: chr9-97362259-C-T. GRCh37 (hg19) VCF-style: chr9-100124541-C-T.
Identifiers: ClinVar variation 2659332 (VCV002659332.24), dbSNP rs760356437, ClinGen allele CA5145867.

ClinVar aggregate classification (germline): Likely benign (1 of 4 stars; one submission).

Allele frequency attached by ClinVar (database versions not stated): gnomAD exomes 0.00005; ExAC 0.00009.
gnomAD v4.1: 71 of 1,614,032 alleles (0.0044%); highest among the groups gnomAD compares: East Asian, 0.12%; no homozygotes.

Submission:

CeGaT Center for Human Genetics Tuebingen
Classification: Likely benign. Last evaluated: 2023-03-01. Review status: criteria provided, single submitter. Criteria: CeGaT Center For Human Genetics Tuebingen Variant Classification Criteria Version 2. Collection method: clinical testing. Allele origin: germline. Affected: yes. Observed: 1 variant allele.
Comment: CCDC180: BP4, BP7